The following is an entry in ClinVar:

NM_001291303.3(FAT4):c.5692T>C (p.Phe1898Leu)

Gene: FAT4 (FAT atypical cadherin 4; plus strand). Cytogenetic location: 4q28.1.
Variant type: single nucleotide variant.
Coding change: c.5692T>C on transcript NM_001291303.3 (MANE Select); coding-DNA position 5692, T replaced by C.
Protein change: p.Phe1898Leu; replaces phenylalanine 1898 with leucine.
Molecular consequence: missense variant.
Genome position (GRCh38, 1-based): chr4:125,408,566, T>C. VCF-style: chr4-125408566-T-C. GRCh37 (hg19) VCF-style: chr4-126329721-T-C.
Other names: c.5692T>C, p.Phe1898Leu (NM_001291285.3, NM_024582.6); c.5692T>C (NM_024582.4); short protein forms F1898L.
Identifiers: ClinVar variation 1485097 (VCV001485097.6), dbSNP rs374142929, ClinGen allele CA3072776.
Genomic context (GRCh38, chr4:125,408,566, plus strand): 5'-TATATTGTGAATGAAGATGATGAAGATGGCATCTTTTTCCTGAATCCTATTACTGGGGTC[T>C]TTAATTTGACTCGATTATTAGATTATGAAGTACAGCAATATTATATCCTCACTGTTCGAG-3'
Protein context (NP_001278232.1, residues 1888-1908): IFFLNPITGV[Phe1898Leu]NLTRLLDYEV

ClinVar aggregate classification (germline): Uncertain significance. Review status: criteria provided, multiple submitters, no conflicts (2 of 4 stars). 2 submissions from 2 submitters: Uncertain significance (2). Last evaluated 2025-08-28.

Conditions:
Inborn genetic diseases. Identifiers: MedGen C0950123, MeSH D030342.

Allele frequency attached by ClinVar (database versions not stated): gnomAD exomes below 0.00001; ExAC 0.00001; gnomAD 0.00001; TOPMed 0.00003; ESP Exome Variant Server 0.00008.
gnomAD v4.1: 2 of 1,612,790 alleles (0.00012%); highest among the groups gnomAD compares: Admixed American, 0.0033%; no homozygotes.

Submissions (2):

Ambry Genetics
Classification: Uncertain significance for Inborn genetic diseases. Last evaluated: 2025-08-28. Review status: criteria provided, single submitter. Criteria: Ambry Variant Classification Scheme 2023. Collection method: clinical testing. Allele origin: germline.

Labcorp Genetics (formerly Invitae), Labcorp
Classification: Uncertain significance. Last evaluated: 2022-07-06. Review status: criteria provided, single submitter. Criteria: Invitae Variant Classification Sherloc (09022015). Collection method: clinical testing. Allele origin: germline.
Comment: This sequence change replaces phenylalanine, which is neutral and non-polar, with leucine, which is neutral and non-polar, at codon 1898 of the FAT4 protein (p.Phe1898Leu). This variant is present in population databases (rs374142929, gnomAD 0.007%). This variant has not been reported in the literature in individuals affected with FAT4-related conditions. ClinVar contains an entry for this variant (Variation ID: 1485097). Advanced modeling of protein sequence and biophysical properties (such as structural, functional, and spatial information, amino acid conservation, physicochemical variation, residue mobility, and thermodynamic stability) performed at Invitae indicates that this missense variant is not expected to disrupt FAT4 protein function. In summary, the available evidence is currently insufficient to determine the role of this variant in disease. Therefore, it has been classified as a Variant of Uncertain Significance.